The following is an entry in ClinVar:

ClinVar aggregate classification (germline): Uncertain significance (1 of 4 stars; one submission).

Submission:

Labcorp Genetics (formerly Invitae), Labcorp
Classification: Uncertain significance. Last evaluated: 2021-08-20. Review status: criteria provided, single submitter. Criteria: Invitae Variant Classification Sherloc (09022015). Collection method: clinical testing. Allele origin: germline.
Comment: This sequence change replaces arginine with glutamine at codon 651 of the HPS6 protein (p.Arg651Gln). The arginine residue is highly conserved and there is a small physicochemical difference between arginine and glutamine. This variant is not present in population databases (ExAC no frequency). This variant has not been reported in the literature in individuals affected with HPS6-related conditions. Algorithms developed to predict the effect of missense changes on protein structure and function output the following: SIFT: "Deleterious"; PolyPhen-2: "Benign"; Align-GVGD: "Class C35". The glutamine amino acid residue is found in multiple mammalian species, which suggests that this missense change does not adversely affect protein function. In summary, the available evidence is currently insufficient to determine the role of this variant in disease. Therefore, it has been classified as a Variant of Uncertain Significance.

NM_024747.6(HPS6):c.1952G>A (p.Arg651Gln)

Gene: HPS6 (HPS6 biogenesis of lysosomal organelles complex 2 subunit 3; plus strand). Cytogenetic location: 10q24.32.
Variant type: single nucleotide variant.
Coding change: c.1952G>A on transcript NM_024747.6 (MANE Select); coding-DNA position 1952, G replaced by A.
Protein change: p.Arg651Gln; replaces arginine 651 with glutamine.
Molecular consequence: missense variant.
Genome position (GRCh38, 1-based): chr10:102,067,426, G>A. VCF-style: chr10-102067426-G-A. GRCh37 (hg19) VCF-style: chr10-103827183-G-A.
Other names: short protein forms R651Q.
Identifiers: ClinVar variation 1517555 (VCV001517555.5), dbSNP rs920246104, ClinGen allele CA377874098.